The following is an entry in ClinVar:

NM_000103.4(CYP19A1):c.220dup (p.Cys74fs)

Genes: CYP19A1 (cytochrome P450 family 19 subfamily A member 1; minus strand), MIR4713HG (MIR4713 host gene; plus strand), PIRC66 (piwi-interacting RNA cluster 66; plus strand). Cytogenetic location: 15q21.2.
Variant type: Duplication.
Coding change: c.220dup on transcript NM_000103.4 (MANE Select); coding-DNA position 220, one base duplicated (T; older notation c.220dupT).
Protein change: p.Cys74fs; shifts the reading frame from cysteine 74.
Molecular consequence: frameshift variant.
Genome position (GRCh38, 1-based): chr15:51,236,935, A duplicated on the plus strand (T on the coding strand, the reverse complement: CYP19A1 is on the minus strand). VCF-style (leftmost placement, unchanged base first): chr15-51236934-C-CA. GRCh37 (hg19) VCF-style: chr15-51529131-C-CA.
Other names: c.220dup, p.Cys74fs (NM_001347248.1, NM_001347249.2, NM_001347250.2 and 7 more transcripts); short protein forms C74fs.
Identifiers: ClinVar variation 2809977 (VCV002809977.3), dbSNP rs2542466150, ClinGen allele CA2739269482.
Genomic context (GRCh38, chr15:51,236,934, plus strand): 5'-GTTTCCTCTCCAGAGATCCAGACTCGCATGAATTCTCCATATACCCGGTTGTAGTAGTTG[C>CA]AGGCACTGCCGATCCCCATCCACAGGAATCTGCCGTGGGAGATGAGGGGTCCAATTCCCA-3'

ClinVar aggregate classification (germline): Pathogenic (1 of 4 stars; one submission).

Submission:

Labcorp Genetics (formerly Invitae), Labcorp
Classification: Pathogenic. Last evaluated: 2023-12-26. Review status: criteria provided, single submitter. Criteria: Invitae Variant Classification Sherloc (09022015). Collection method: clinical testing. Allele origin: germline.
Comment: This sequence change creates a premature translational stop signal (p.Cys74Leufs*56) in the CYP19A1 gene. It is expected to result in an absent or disrupted protein product. Loss-of-function variants in CYP19A1 are known to be pathogenic (PMID: 14602738, 27086564, 27256151). This variant is not present in population databases (gnomAD no frequency). This variant has not been reported in the literature in individuals affected with CYP19A1-related conditions. For these reasons, this variant has been classified as Pathogenic.

Literature cited by the submitters: PubMed 14602738; PubMed 27086564; PubMed 27256151.